The following is an entry in ClinVar:

NM_022114.4(PRDM16):c.2392G>A (p.Gly798Ser)

Gene: PRDM16 (PR/SET domain 16; plus strand). Cytogenetic location: 1p36.32.
Variant type: single nucleotide variant.
Coding change: c.2392G>A on transcript NM_022114.4 (MANE Select); coding-DNA position 2392, G replaced by A.
Protein change: p.Gly798Ser; replaces glycine 798 with serine.
Molecular consequence: missense variant.
Genome position (GRCh38, 1-based): chr1:3,412,589, G>A. VCF-style: chr1-3412589-G-A. GRCh37 (hg19) VCF-style: chr1-3329153-G-A.
Other names: c.2392G>A, p.Gly798Ser (NM_199454.3); short protein forms G798S.
Identifiers: ClinVar variation 1308045 (VCV001308045.8), dbSNP rs371920642, ClinGen allele CA544463.

ClinVar aggregate classification (germline): Conflicting classifications of pathogenicity. Review status: criteria provided, conflicting classifications (1 of 4 stars). 3 submissions from 3 submitters: Uncertain significance (2); Likely benign (1). Last evaluated 2025-01-27.

Conditions:
Inborn genetic diseases. Identifiers: MedGen C0950123, MeSH D030342.
Left ventricular noncompaction 8 (LVNC8). Identifiers: Orphanet 154, Orphanet 54260, MedGen C3809288, MONDO:0014152, OMIM 615373.

Allele frequency attached by ClinVar (database versions not stated): gnomAD 0.00001 and 0.00002; ExAC 0.00003.
gnomAD v4.1: 10 of 1,603,748 alleles (0.00062%); highest among the groups gnomAD compares: East Asian, 0.0067%; no homozygotes.

Submissions (3):

Labcorp Genetics (formerly Invitae), Labcorp
Classification: Uncertain significance for Left ventricular noncompaction 8. Last evaluated: 2025-01-27. Review status: criteria provided, single submitter. Criteria: Invitae Variant Classification Sherloc (09022015). Collection method: clinical testing. Allele origin: germline.
Comment: This sequence change replaces glycine, which is neutral and non-polar, with serine, which is neutral and polar, at codon 798 of the PRDM16 protein (p.Gly798Ser). This variant is present in population databases (rs371920642, gnomAD 0.02%). This variant has not been reported in the literature in individuals affected with PRDM16-related conditions. ClinVar contains an entry for this variant (Variation ID: 1308045). An algorithm developed to predict the effect of missense changes on protein structure and function outputs the following: PolyPhen-2: "Benign". The serine amino acid residue is found in multiple mammalian species, which suggests that this missense change does not adversely affect protein function. In summary, the available evidence is currently insufficient to determine the role of this variant in disease. Therefore, it has been classified as a Variant of Uncertain Significance.

Ambry Genetics
Classification: Likely benign for Inborn genetic diseases. Last evaluated: 2023-12-11. Review status: criteria provided, single submitter. Criteria: Ambry Variant Classification Scheme 2023. Collection method: clinical testing. Allele origin: germline.

GeneDx
Classification: Uncertain significance. Last evaluated: 2019-08-15. Review status: criteria provided, single submitter. Criteria: GeneDx Variant Classification Process June 2021. Collection method: clinical testing. Allele origin: germline. Affected: yes.
Comment: Has not been previously published as pathogenic or benign to our knowledge; Not observed at a significant frequency in large population cohorts (Lek et al., 2016); In silico analysis, which includes protein predictors and evolutionary conservation, supports that this variant does not alter protein structure/function